The following is an entry in ClinVar:

NM_001184.4(ATR):c.6955G>A (p.Gly2319Arg)

Gene: ATR (ATR checkpoint kinase; minus strand). Cytogenetic location: 3q23.
Variant type: single nucleotide variant.
Coding change: c.6955G>A on transcript NM_001184.4 (MANE Select); coding-DNA position 6955, G replaced by A.
Protein change: p.Gly2319Arg; replaces glycine 2319 with arginine.
Molecular consequence: missense variant.
Genome position (GRCh38, 1-based): chr3:142,465,183, C>T on the plus strand (G>A on the coding strand, the complement: ATR is on the minus strand). VCF-style: chr3-142465183-C-T. GRCh37 (hg19) VCF-style: chr3-142184025-C-T.
Other names: c.6763G>A, p.Gly2255Arg (NM_001354579.2); short protein forms G2255R, G2319R.
Identifiers: ClinVar variation 4882086 (VCV004882086.2).

ClinVar aggregate classification (germline): Uncertain significance (1 of 4 stars; one submission).

Conditions:
Familial cutaneous telangiectasia and oropharyngeal predisposition cancer syndrome. Identifiers: Orphanet 313846, MedGen C3281203, MONDO:0013806, OMIM 614564.

gnomAD v4.1: 2 of 1,609,162 alleles (0.00012%); highest among the groups gnomAD compares: Non-Finnish European, 0.000085%; no homozygotes.

Submission:

Dasa
Classification: Uncertain significance for Familial cutaneous telangiectasia and oropharyngeal predisposition cancer syndrome. Last evaluated: 2025-12-05. Review status: criteria provided, single submitter. Criteria: DASA Assertion Criteria. Collection method: clinical testing. Allele origin: germline.
Comment: NM_001184.4(ATR):c.6955G>A (p.Gly2319Arg) is a missense variant that results in the substitution of glycine with arginine. This variant is rare in population databases. Computational prediction algorithms are consistent with a deleterious effect. The currently available literature and clinical evidence are not sufficient to establish a definitive association between this variant and the reported condition. Therefore, this variant is classified as a variant of uncertain significance.